The following is an entry in ClinVar:

NM_020987.5(ANK3):c.7787G>A (p.Arg2596His)

Gene: ANK3 (ankyrin 3; minus strand). Cytogenetic location: 10q21.2.
Variant type: single nucleotide variant.
Coding change: c.7787G>A on transcript NM_020987.5 (MANE Select); coding-DNA position 7787, G replaced by A.
Protein change: p.Arg2596His; replaces arginine 2596 with histidine.
Molecular consequence: missense variant. On other transcripts: intron variant (4).
Genome position (GRCh38, 1-based): chr10:60,073,094, C>T on the plus strand (G>A on the coding strand, the complement: ANK3 is on the minus strand). VCF-style: chr10-60073094-C-T. GRCh37 (hg19) VCF-style: chr10-61832852-C-T.
Other names: c.4388-5085G>A (NM_001204403.2); c.4409-5085G>A (NM_001204404.2); c.4406-5085G>A (NM_001320874.2); c.1808-5085G>A (NM_001149.4); short protein forms R2596H.
Identifiers: ClinVar variation 1413803 (VCV001413803.6), dbSNP rs781782384, ClinGen allele CA5511666.

ClinVar aggregate classification (germline): Uncertain significance (1 of 4 stars; one submission).

Allele frequency attached by ClinVar (database versions not stated): TOPMed below 0.00001; ExAC 0.00002; gnomAD exomes 0.00002; gnomAD 0.00003 and 0.00004.
gnomAD v4.1: 37 of 1,613,880 alleles (0.0023%); highest among the groups gnomAD compares: Admixed American, 0.0067%; no homozygotes.

Submission:

Labcorp Genetics (formerly Invitae), Labcorp
Classification: Uncertain significance. Last evaluated: 2022-03-22. Review status: criteria provided, single submitter. Criteria: Invitae Variant Classification Sherloc (09022015). Collection method: clinical testing. Allele origin: germline.
Comment: This variant has not been reported in the literature in individuals affected with ANK3-related conditions. This variant is present in population databases (rs781782384, gnomAD 0.006%). This sequence change replaces arginine with histidine at codon 2596 of the ANK3 protein (p.Arg2596His). The arginine residue is weakly conserved and there is a small physicochemical difference between arginine and histidine. Algorithms developed to predict the effect of missense changes on protein structure and function are either unavailable or do not agree on the potential impact of this missense change (SIFT: "Not Available"; PolyPhen-2: "Probably Damaging"; Align-GVGD: "Not Available"). In summary, the available evidence is currently insufficient to determine the role of this variant in disease. Therefore, it has been classified as a Variant of Uncertain Significance.